The following is an entry in ClinVar:

ClinVar aggregate classification (germline): Uncertain significance (1 of 4 stars; one submission).

Conditions:
Hereditary cancer-predisposing syndrome. Also called: Neoplastic Syndromes, Hereditary; Tumor predisposition; Hereditary Cancer Syndrome; Hereditary neoplastic syndrome. Identifiers: Orphanet 140162, MedGen C0027672, MeSH D009386, MONDO:0015356.

gnomAD v4.1: 1 of 1,612,668 alleles (0.000062%); highest among the groups gnomAD compares: Non-Finnish European, 0.000085%; no homozygotes.

Submission:

Ambry Genetics
Classification: Uncertain significance for Hereditary cancer-predisposing syndrome. Last evaluated: 2025-12-04. Review status: criteria provided, single submitter. Criteria: Ambry Variant Classification Scheme 2023. Collection method: clinical testing. Allele origin: germline.
Comment: The p.R1157S variant (also known as c.3471A>C), located in coding exon 19 of the BRIP1 gene, results from an A to C substitution at nucleotide position 3471. The arginine at codon 1157 is replaced by serine, an amino acid with dissimilar properties. This amino acid position is conserved. In addition, this alteration is predicted to be tolerated by in silico analysis. Based on the available evidence, the clinical significance of this variant remains unclear.

NM_032043.3(BRIP1):c.3471A>C (p.Arg1157Ser)

Gene: BRIP1 (BRCA1 interacting DNA helicase 1; minus strand). Cytogenetic location: 17q23.2.
Variant type: single nucleotide variant.
Coding change: c.3471A>C on transcript NM_032043.3 (MANE Select); coding-DNA position 3471, A replaced by C.
Protein change: p.Arg1157Ser; replaces arginine 1157 with serine.
Molecular consequence: missense variant.
Genome position (GRCh38, 1-based): chr17:61,683,575, T>G on the plus strand (A>C on the coding strand, the complement: BRIP1 is on the minus strand). VCF-style: chr17-61683575-T-G. GRCh37 (hg19) VCF-style: chr17-59760936-T-G.
Other names: short protein forms R1157S.
Identifiers: ClinVar variation 4631189 (VCV004631189.1).